The following is an entry in ClinVar:

NM_014243.3(ADAMTS3):c.2449C>G (p.Arg817Gly)

Gene: ADAMTS3 (ADAM metallopeptidase with thrombospondin type 1 motif 3; minus strand). Cytogenetic location: 4q13.3.
Variant type: single nucleotide variant.
Coding change: c.2449C>G on transcript NM_014243.3 (MANE Select); coding-DNA position 2449, C replaced by G.
Protein change: p.Arg817Gly; replaces arginine 817 with glycine.
Molecular consequence: missense variant.
Genome position (GRCh38, 1-based): chr4:72,298,418, G>C on the plus strand (C>G on the coding strand, the complement: ADAMTS3 is on the minus strand). VCF-style: chr4-72298418-G-C. GRCh37 (hg19) VCF-style: chr4-73164135-G-C.
Other names: short protein forms R817G.
Identifiers: ClinVar variation 4531943 (VCV004531943.1).

ClinVar aggregate classification (germline): Uncertain significance (1 of 4 stars; one submission).

Conditions:
Hennekam lymphangiectasia-lymphedema syndrome 3. Identifiers: MedGen C4748408, MONDO:0032564, OMIM 618154.

Submission:

Victorian Clinical Genetics Services, Murdoch Childrens Research Institute
Classification: Uncertain significance for Hennekam lymphangiectasia-lymphedema syndrome 3. Last evaluated: 2024-10-11. Review status: criteria provided, single submitter. Criteria: ACMG Guidelines, 2015. Collection method: clinical testing. Allele origin: germline.
Comment: This variant is classified as VUS-3B. Evidence in support of pathogenic classification: Variant is absent from gnomAD (v2, v3 and v4). Evidence in support of benign classification: Missense variant consistently predicted to be tolerated by in silico tool or not conserved in placental mammals with a minor amino acid change. Additional information: Variant is predicted to result in a missense amino acid change from arginine to glycine; This variant is heterozygous; This gene is associated with autosomal recessive disease; Multiple alternative amino acid changes at the same position have been observed in gnomAD (v4) (highest allele count: 36 heterozygotes, 0 homozygotes); This variant has no previous evidence of pathogenicity; No published segregation evidence has been identified for this variant; No published functional evidence has been identified for this variant; No comparable missense variants have previous evidence for pathogenicity; Variant is located in the annotated ADAMTS spacer-1 domain (PMID: 28985353); Loss of function is a known mechanism of disease in this gene and is associated with Hennekam lymphangiectasia-lymphoedema syndrome 3 (MIM#618154); Variants in this gene are known to have variable expressivity (OMIM).

Literature cited by the submitters: PubMed 28985353.